The following is an entry in ClinVar:

ClinVar aggregate classification (germline): Pathogenic (1 of 4 stars; one submission).

Submission:

Labcorp Genetics (formerly Invitae), Labcorp
Classification: Pathogenic. Last evaluated: 2024-11-03. Review status: criteria provided, single submitter. Criteria: Invitae Variant Classification Sherloc (09022015). Collection method: clinical testing. Allele origin: germline.
Comment: This sequence change creates a premature translational stop signal (p.Cys374*) in the ADAMTSL4 gene. It is expected to result in an absent or disrupted protein product. Loss-of-function variants in ADAMTSL4 are known to be pathogenic (PMID: 20564469, 28642162). This variant is not present in population databases (gnomAD no frequency). This variant has not been reported in the literature in individuals affected with ADAMTSL4-related conditions. For these reasons, this variant has been classified as Pathogenic.

Literature cited by the submitters: PubMed 20564469; PubMed 28642162.

NM_019032.6(ADAMTSL4):c.1122C>A (p.Cys374Ter)

Genes: ADAMTSL4 (ADAMTS like 4; plus strand), ADAMTSL4-AS2 (ADAMTSL4 antisense RNA 2; minus strand). Cytogenetic location: 1q21.2.
Variant type: single nucleotide variant.
Coding change: c.1122C>A on transcript NM_019032.6 (MANE Select); coding-DNA position 1122, C replaced by A.
Protein change: p.Cys374Ter; replaces cysteine 374 with a stop codon.
Molecular consequence: nonsense.
Genome position (GRCh38, 1-based): chr1:150,554,113, C>A. VCF-style: chr1-150554113-C-A. GRCh37 (hg19) VCF-style: chr1-150526589-C-A.
Other names: c.1122C>A, p.Cys374Ter (NM_001288607.2, NM_001288608.2, NM_001378596.1 and 1 more transcripts); short protein forms C374*.
Identifiers: ClinVar variation 3724562 (VCV003724562.2).